The following is an entry in ClinVar:

NM_004006.3(DMD):c.2628A>T (p.Glu876Asp)

Gene: DMD (dystrophin; minus strand). Cytogenetic location: Xp21.1.
Variant type: single nucleotide variant.
Coding change: c.2628A>T on transcript NM_004006.3 (MANE Select); coding-DNA position 2628, A replaced by T.
Protein change: p.Glu876Asp; replaces glutamic acid 876 with aspartic acid.
Molecular consequence: missense variant.
Genome position (GRCh38, 1-based): chrX:32,485,094, T>A on the plus strand (A>T on the coding strand, the complement: DMD is on the minus strand). VCF-style: chrX-32485094-T-A. GRCh37 (hg19) VCF-style: chrX-32503211-T-A.
Other names: c.2604A>T, p.Glu868Asp (NM_000109.4); c.2616A>T, p.Glu872Asp (NM_004009.3); c.2259A>T, p.Glu753Asp (NM_004010.3); short protein forms E876D, E753D, E868D, E872D.
Identifiers: ClinVar variation 222545 (VCV000222545.9), dbSNP rs869025382, ClinGen allele CA352027.

ClinVar aggregate classification (germline): Uncertain significance. Review status: criteria provided, single submitter (1 of 4 stars). 2 submissions from 2 submitters: Uncertain significance (1). 1 of the submissions does not count toward it. Last evaluated 2026-01-19.

Conditions:
Cardiomyopathy (CMYO). Also called: Cardiomyopathies. Identifiers: Orphanet 167848, MedGen C0878544, MONDO:0004994, HP:0001638. Inheritance: Various modes of inheritance.
Duchenne muscular dystrophy (DMD). Also called: MUSCULAR DYSTROPHY, PSEUDOHYPERTROPHIC PROGRESSIVE, DUCHENNE TYPE; Duchenne Muscular Dystrophy (DMD). Identifiers: Orphanet 98896, MedGen C0013264, MONDO:0010679, OMIM 310200.
Becker muscular dystrophy (BMD). Also called: Becker Muscular Dystrophy (BMD); MUSCULAR DYSTROPHY, PSEUDOHYPERTROPHIC PROGRESSIVE, BECKER TYPE. Identifiers: Orphanet 98895, MedGen C0917713, MONDO:0010311, OMIM 300376.
Dystrophin deficiency.

Allele frequency attached by ClinVar (database versions not stated): gnomAD 0.00001; gnomAD exomes 0.00001; TOPMed 0.00002.
gnomAD v4.1: 12 of 1,206,712 alleles (0.00099%); highest among the groups gnomAD compares: Admixed American, 0.0022%; no homozygotes.

Submissions (2):

Labcorp Genetics (formerly Invitae), Labcorp
Classification: Uncertain significance for Duchenne muscular dystrophy. Last evaluated: 2026-01-19. Review status: criteria provided, single submitter. Criteria: Invitae Variant Classification Sherloc (09022015). Collection method: clinical testing. Allele origin: germline.
Comment: This sequence change replaces glutamic acid, which is acidic and polar, with aspartic acid, which is acidic and polar, at codon 876 of the DMD protein (p.Glu876Asp). This variant is present in population databases (no rsID available, gnomAD 0.001%). This variant has not been reported in the literature in individuals affected with DMD-related conditions. ClinVar contains an entry for this variant (Variation ID: 222545). Invitae Evidence Modeling of protein sequence and biophysical properties (such as structural, functional, and spatial information, amino acid conservation, physicochemical variation, residue mobility, and thermodynamic stability) indicates that this missense variant is not expected to disrupt DMD protein function with a negative predictive value of 95%. In summary, the available evidence is currently insufficient to determine the role of this variant in disease. Therefore, it has been classified as a Variant of Uncertain Significance.

Natera, Inc.
Classification: Uncertain significance for Becker muscular dystrophy; Cardiomyopathy; Duchenne muscular dystrophy; Dystrophin deficiency. Last evaluated: 2020-05-13. Review status: no assertion criteria provided. Collection method: clinical testing. Allele origin: germline. Not counted in ClinVar's aggregate classification.